The following is an entry in ClinVar:

ClinVar aggregate classification (germline): Benign. Review status: criteria provided, multiple submitters, no conflicts (2 of 4 stars). 2 submissions from 2 submitters: Benign (2). Last evaluated 2018-01-13.

Conditions:
Pyruvate dehydrogenase E1-alpha deficiency (PDHAD). Also called: ATAXIA, INTERMITTENT, WITH PYRUVATE DEHYDROGENASE DEFICIENCY; ATAXIA WITH LACTIC ACIDOSIS I; ATAXIA, INTERMITTENT, WITH ABNORMAL PYRUVATE METABOLISM; Ataxia, intermittent, with pyruvate dehydrogenase, or decarboxylase, deficiency. Identifiers: Orphanet 79243, MedGen C1839413, MONDO:0010717, OMIM 312170.

Allele frequency attached by ClinVar (database versions not stated): gnomAD exomes 0.07880; gnomAD 0.21621 and 0.22677; TOPMed 0.24382; 1000 Genomes Project 0.24689; 1000 Genomes Project 30x 0.25515.
gnomAD v4.1: 39,130 of 302,567 alleles (13%); highest among the groups gnomAD compares: African/African-American, 66%; 6,321 homozygotes.

Submissions (2):

Illumina Laboratory Services, Illumina
Classification: Benign for Pyruvate dehydrogenase E1-alpha deficiency. Last evaluated: 2018-01-13. Review status: criteria provided, single submitter. Criteria: ICSL Variant Classification Criteria 13 December 2019. Collection method: clinical testing. Allele origin: germline.
Comment: This variant was observed in the ICSL laboratory as part of a predisposition screen in an ostensibly healthy population. It had not been previously curated by ICSL or reported in the Human Gene Mutation Database (HGMD: prior to June 1st, 2018), and was therefore a candidate for classification through an automated scoring system. Utilizing variant allele frequency, disease prevalence and penetrance estimates, and inheritance mode, an automated score was calculated to assess if this variant is too frequent to cause the disease. Based on the score and internal cut-off values, a variant classified as benign is not then subjected to further curation. The score for this variant resulted in a classification of benign for this disease.

Breakthrough Genomics
Classification: Benign. Review status: criteria provided, single submitter. Criteria: ACMG Guidelines, 2015. Collection method: not provided. Allele origin: germline. Inheritance: X-linked inheritance. Affected: yes.

NM_000284.4(PDHA1):c.*319G>T

Gene: PDHA1 (pyruvate dehydrogenase E1 subunit alpha 1; plus strand). Cytogenetic location: Xp22.12.
Variant type: single nucleotide variant.
Coding change: c.*319G>T on transcript NM_000284.4 (MANE Select); 319 bases downstream of the stop codon, G replaced by T.
Molecular consequence: 3 prime UTR variant.
Genome position (GRCh38, 1-based): chrX:19,359,972, G>T. VCF-style: chrX-19359972-G-T. GRCh37 (hg19) VCF-style: chrX-19378090-G-T.
Other names: c.*319G>T (NM_001173454.2, NM_001173455.2, NM_001173456.2).
Identifiers: ClinVar variation 913337 (VCV000913337.5), dbSNP rs1042449, ClinGen allele CA327031728.